The following is an entry in ClinVar:

ClinVar aggregate classification (germline): Uncertain significance (1 of 4 stars; one submission).

Conditions:
Hereditary spastic paraplegia 47. Also called: CEREBRAL PALSY, SPASTIC QUADRIPLEGIC, 5; adaptor protein 4 (AP-4) deficiency syndrome; Spastic paraplegia 47, autosomal recessive. Identifiers: Orphanet 280763, MedGen C3279738, MONDO:0013551, OMIM 614066.

Allele frequency attached by ClinVar (database versions not stated): gnomAD 0.00001.
gnomAD v4.1: 4 of 1,613,802 alleles (0.00025%); highest among the groups gnomAD compares: African/African-American, 0.0013%; no homozygotes.

Submission:

Victorian Clinical Genetics Services, Murdoch Childrens Research Institute
Classification: Uncertain significance for Hereditary spastic paraplegia 47. Last evaluated: 2024-10-09. Review status: criteria provided, single submitter. Criteria: ACMG Guidelines, 2015. Collection method: clinical testing. Allele origin: germline. Inheritance: Autosomal dominant inheritance. Affected: yes.
Comment: Based on the classification scheme VCGS_Germline_v1.3.4, this variant is classified as VUS-3C. Following criteria are met: 0105 - The mechanism of disease for this gene is not clearly established. However, gain of function and dominant negative have been suggested as the mechanism for missense variants associated with spastic paraplegia 8, autosomal dominant (MIM#603563) (PMIDs: 31911435, 25614869). Loss of function has been suggested as the mechanism for Ritscher-Schinzel syndrome 1 (MIM#220210) however, this is only due to one variant (PMID: 24065355). (I) 0107 - This gene is associated with autosomal dominant disease. There are also reports of a single homozygous founder variant associated with autosomal recessive Ritscher-Schinzel syndrome 1 (MIM#220210) in eleven individuals from an isolated community (PMID: 24065355). (I) 0201 - Variant is predicted to cause nonsense-mediated decay (NMD) and loss of protein (premature termination codon is located at least 54 nucleotides upstream of the final exon-exon junction). (SP) 0251 - This variant is heterozygous. (I) 0302 - Variant is present in gnomAD (v2) <0.001 for a dominant condition (2 heterozygotes, 0 homozygotes). (SP) 0309 - Mulitple alternative NMD-predicted variants been observed in gnomAD (v2) (highest allele count: 8 heterozygotes, 0 homozygotes). (I) 0708 - Other NMD-predicted variants comparable to the one identified in this case have conflicting previous evidence for pathogenicity. Five NMD-predicted variants have been classified as pathogenic or likely pathogenic by clinical laboratories in ClinVar, and one NMD-predicted variant has been observed in an individual with spastic paraplegia in the literature (PMID: 29768361). Another NMD-predicted variant has been observed in two siblings with myopathy who also had two compound heterozygous variants in the ATP2A1 gene that were considered a better phenotype match (PMID: 25614869). (I) 0807 - This variant has no previous evidence of pathogenicity. (I) 0905 - No published segregation evidence has been identified for this variant. (I) 1007 - No published functional evidence has been identified for this variant. (I) Legend: (SP) - Supporting pathogenic, (I) - Information, (SB) - Supporting benign

Literature cited by the submitters: PubMed 24065355; PubMed 25614869; PubMed 29768361; PubMed 31911435.

NM_014846.4(WASHC5):c.3193C>T (p.Arg1065Ter)

Genes: WASHC5 (WASH complex subunit 5; minus strand), LOC126860498 (P300/CBP strongly-dependent group 1 enhancer GRCh37_chr8:126043836-126045035; plus strand). Cytogenetic location: 8q24.13.
Variant type: single nucleotide variant.
Coding change: c.3193C>T on transcript NM_014846.4 (MANE Select); coding-DNA position 3193, C replaced by T.
Protein change: p.Arg1065Ter; replaces arginine 1065 with a stop codon.
Molecular consequence: nonsense.
Genome position (GRCh38, 1-based): chr8:125,032,383, G>A on the plus strand (C>T on the coding strand, the complement: WASHC5 is on the minus strand). VCF-style: chr8-125032383-G-A. GRCh37 (hg19) VCF-style: chr8-126044625-G-A.
Other names: c.2749C>T, p.Arg917Ter (NM_001330609.2); short protein forms R1065*, R917*.
Identifiers: ClinVar variation 3255118 (VCV003255118.2), dbSNP rs772177975.
Genomic context (GRCh38, chr8:125,032,383, plus strand): 5'-TCAGCAGAGTGAGCAGTCCCAGGACAAGTGGTGGCCAATCAACCGGGTCGGTCGGTTTTC[G>A]GCAGACCATTCCTGCAAGGGAACAAGTTGCAACACCATATGAAGTACTTGCCTTCAGCAA-3'